The following is an entry in ClinVar:

NM_001909.5(CTSD):c.970G>A (p.Glu324Lys)

Gene: CTSD (cathepsin D; minus strand). Cytogenetic location: 11p15.5.
Variant type: single nucleotide variant.
Coding change: c.970G>A on transcript NM_001909.5 (MANE Select); coding-DNA position 970, G replaced by A.
Protein change: p.Glu324Lys; replaces glutamic acid 324 with lysine.
Molecular consequence: missense variant.
Genome position (GRCh38, 1-based): chr11:1,753,996, C>T on the plus strand (G>A on the coding strand, the complement: CTSD is on the minus strand). VCF-style: chr11-1753996-C-T. GRCh37 (hg19) VCF-style: chr11-1775226-C-T.
Other names: short protein forms E324K.
Identifiers: ClinVar variation 2195635 (VCV002195635.1), dbSNP rs376034984, ClinGen allele CA5813985.

ClinVar aggregate classification (germline): Uncertain significance (1 of 4 stars; one submission).

Conditions:
Neuronal ceroid lipofuscinosis. Also called: Neuronal Ceroid Lipofuscinoses. Identifiers: Orphanet 216, Orphanet 79263, MedGen C0027877, MONDO:0016295. Disease mechanism: loss of function.

Allele frequency attached by ClinVar (database versions not stated): gnomAD exomes 0.00001; ExAC 0.00002; gnomAD 0.00003; TOPMed 0.00003; ESP Exome Variant Server 0.00008.

Submission:

Labcorp Genetics (formerly Invitae), Labcorp
Classification: Uncertain significance for Neuronal ceroid lipofuscinosis. Last evaluated: 2022-09-27. Review status: criteria provided, single submitter. Criteria: Invitae Variant Classification Sherloc (09022015). Collection method: clinical testing. Allele origin: germline.
Comment: This sequence change replaces glutamic acid, which is acidic and polar, with lysine, which is basic and polar, at codon 324 of the CTSD protein (p.Glu324Lys). This variant is present in population databases (rs376034984, gnomAD 0.007%). This variant has not been reported in the literature in individuals affected with CTSD-related conditions. Algorithms developed to predict the effect of missense changes on protein structure and function are either unavailable or do not agree on the potential impact of this missense change (SIFT: "Deleterious"; PolyPhen-2: "Probably Damaging"; Align-GVGD: "Class C15"). In summary, the available evidence is currently insufficient to determine the role of this variant in disease. Therefore, it has been classified as a Variant of Uncertain Significance.